The following is an entry in ClinVar:

NM_006236.3(POU3F3):c.998G>C (p.Arg333Pro)

Gene: POU3F3 (POU class 3 homeobox 3; plus strand). Cytogenetic location: 2q12.1.
Variant type: single nucleotide variant.
Coding change: c.998G>C on transcript NM_006236.3 (MANE Select); coding-DNA position 998, G replaced by C.
Protein change: p.Arg333Pro; replaces arginine 333 with proline.
Molecular consequence: missense variant.
Genome position (GRCh38, 1-based): chr2:104,856,508, G>C. VCF-style: chr2-104856508-G-C. GRCh37 (hg19) VCF-style: chr2-105472966-G-C.
Other names: short protein forms R333P.
Identifiers: ClinVar variation 1696436 (VCV001696436.1), dbSNP rs2104340988, ClinGen allele CA348097973.
Genomic context (GRCh38, chr2:104,856,508, plus strand): 5'-ACGAGGACACGCCGACGTCGGACGACCTGGAGCAGTTCGCCAAGCAGTTCAAGCAGCGGC[G>C]CATCAAGCTGGGCTTCACGCAGGCCGACGTGGGGTTGGCGCTGGGCACACTCTACGGCAA-3'
Protein context (NP_006227.1, residues 323-343): EQFAKQFKQR[Arg333Pro]IKLGFTQADV

ClinVar aggregate classification (germline): Likely pathogenic (1 of 4 stars; one submission).

Conditions:
Snijders blok-fisher syndrome. Identifiers: Orphanet 656135, MedGen C5231424, MONDO:0032830, OMIM 618604.

Submission:

New York Genome Center
Classification: Likely pathogenic for Snijders blok-fisher syndrome. Last evaluated: 2021-07-02. Review status: criteria provided, single submitter. Criteria: NYGC Assertion Criteria 2020. Collection method: clinical testing. Allele origin: de novo. Observed: 1 heterozygote. Study: CSER-NYCKidSeq.
Comment: The de novo missense variant c.998G>C, p.Arg333Pro identified in the POU3F3 gene has been reported in a fetus with bilateral ventriculomegaly (PMID: 30712878). The variant is absent in the gnomAD v3.1.1 database, suggesting it is not a common benign variant in the populations represented in this database and in silico tools predict a deleterious effect. The variant is situated at the POU-specific (POUs) domain. The POUs domain is always found in association with a POU- homeodomain, and both are required for high affinity and sequence-specific DNA binding (PMID:8703082). Based on the available evidence, the de novo variant c.998G>C,p.Arg333Pro in the POU3F3 gene is classified as likely pathogenic.

Literature cited by the submitters: PubMed 30712878.